The following is an entry in ClinVar:

ClinVar aggregate classification (germline): Uncertain significance. Review status: criteria provided, multiple submitters, no conflicts (2 of 4 stars). 3 submissions from 3 submitters: Uncertain significance (3). Last evaluated 2025-03-27.

Conditions:
Nephronophthisis. Also called: Juvenile Nephronophthisis. Identifiers: Orphanet 655, MedGen C0687120, MONDO:0019005, HP:0000090.
Inborn genetic diseases. Identifiers: MedGen C0950123, MeSH D030342.

Allele frequency attached by ClinVar (database versions not stated): gnomAD exomes below 0.00001; ExAC 0.00001.

Submissions (3):

Ambry Genetics
Classification: Uncertain significance for Inborn genetic diseases. Last evaluated: 2025-03-27. Review status: criteria provided, single submitter. Criteria: Ambry Variant Classification Scheme 2023. Collection method: clinical testing. Allele origin: germline.

Labcorp Genetics (formerly Invitae), Labcorp
Classification: Uncertain significance for Nephronophthisis. Last evaluated: 2020-06-02. Review status: criteria provided, single submitter. Criteria: Invitae Variant Classification Sherloc (09022015). Collection method: clinical testing. Allele origin: germline.
Comment: This sequence change replaces proline with alanine at codon 289 of the NPHP3 protein (p.Pro289Ala). The proline residue is highly conserved and there is a small physicochemical difference between proline and alanine. In summary, the available evidence is currently insufficient to determine the role of this variant in disease. Therefore, it has been classified as a Variant of Uncertain Significance. Algorithms developed to predict the effect of missense changes on protein structure and function are either unavailable or do not agree on the potential impact of this missense change (SIFT: "Deleterious"; PolyPhen-2: "Possibly Damaging"; Align-GVGD: "Class C0"). This variant has not been reported in the literature in individuals with NPHP3-related conditions. ClinVar contains an entry for this variant (Variation ID: 596249). This variant is present in population databases (rs774133053, ExAC 0.01%).

Eurofins Ntd Llc (ga)
Classification: Uncertain significance. Last evaluated: 2018-02-22. Review status: criteria provided, single submitter. Criteria: EGL ClinVar v180209 classification definitions. Collection method: clinical testing. Allele origin: germline. Observed: 1 variant allele, 1 heterozygote.

NM_153240.5(NPHP3):c.865C>G (p.Pro289Ala)

Genes: NPHP3 (nephrocystin 3; minus strand), NPHP3-ACAD11 (NPHP3-ACAD11 readthrough (NMD candidate); minus strand). Cytogenetic location: 3q22.1.
Variant type: single nucleotide variant.
Coding change: c.865C>G on transcript NM_153240.5 (MANE Select); coding-DNA position 865, C replaced by G.
Protein change: p.Pro289Ala; replaces proline 289 with alanine.
Molecular consequence: missense variant. On other transcripts: non-coding transcript variant (1).
Genome position (GRCh38, 1-based): chr3:132,715,177, G>C on the plus strand (C>G on the coding strand, the complement: NPHP3 is on the minus strand). VCF-style: chr3-132715177-G-C. GRCh37 (hg19) VCF-style: chr3-132434021-G-C.
Other names: c.865C>G (NM_153240.4); short protein forms P289A.
Identifiers: ClinVar variation 596249 (VCV000596249.15), dbSNP rs774133053, ClinGen allele CA2622474.